The following is an entry in ClinVar:

NM_018052.5(VAC14):c.1621G>A (p.Glu541Lys)

Gene: VAC14 (VAC14 component of PIKFYVE complex; minus strand). Cytogenetic location: 16q22.1.
Variant type: single nucleotide variant.
Coding change: c.1621G>A on transcript NM_018052.5 (MANE Select); coding-DNA position 1621, G replaced by A.
Protein change: p.Glu541Lys; replaces glutamic acid 541 with lysine.
Molecular consequence: missense variant.
Genome position (GRCh38, 1-based): chr16:70,731,535, C>T on the plus strand (G>A on the coding strand, the complement: VAC14 is on the minus strand). VCF-style: chr16-70731535-C-T. GRCh37 (hg19) VCF-style: chr16-70765438-C-T.
Other names: c.919G>A, p.Glu307Lys (NM_001351157.2); short protein forms E307K, E541K.
Identifiers: ClinVar variation 1953234 (VCV001953234.5), dbSNP rs558322430, ClinGen allele CA8147581.
Genomic context (GRCh38, chr16:70,731,535, plus strand): 5'-AGCGCGCCGCCAAGGCTGACCTGATGATGAAAGGGCCTCTGACCTCCAGGAGCTTCCGTT[C>T]GCTGCTGAATCTCTTGAGAAGGTTGATCATGAACTTATAAAAGTAAGAATTCATGGTGGG-3'
Protein context (NP_060522.3, residues 531-551): MINLLKRFSS[Glu541Lys]RKLLEVRGPF

ClinVar aggregate classification (germline): Uncertain significance (1 of 4 stars; one submission).

Allele frequency attached by ClinVar (database versions not stated): gnomAD exomes below 0.00001; TOPMed 0.00001; ExAC 0.00002; gnomAD 0.00003; 1000 Genomes Project 30x 0.00031; 1000 Genomes Project 0.00040.
gnomAD v4.1: 6 of 1,614,064 alleles (0.00037%); highest among the groups gnomAD compares: East Asian, 0.0067%; no homozygotes.

Submission:

Labcorp Genetics (formerly Invitae), Labcorp
Classification: Uncertain significance. Last evaluated: 2022-05-04. Review status: criteria provided, single submitter. Criteria: Invitae Variant Classification Sherloc (09022015). Collection method: clinical testing. Allele origin: germline.
Comment: This sequence change replaces glutamic acid, which is acidic and polar, with lysine, which is basic and polar, at codon 541 of the VAC14 protein (p.Glu541Lys). This variant is present in population databases (rs558322430, gnomAD 0.003%). In summary, the available evidence is currently insufficient to determine the role of this variant in disease. Therefore, it has been classified as a Variant of Uncertain Significance. Algorithms developed to predict the effect of missense changes on protein structure and function are either unavailable or do not agree on the potential impact of this missense change (SIFT: "Deleterious"; PolyPhen-2: "Possibly Damaging"; Align-GVGD: "Class C15"). This variant has not been reported in the literature in individuals affected with VAC14-related conditions.